The following is an entry in ClinVar:

NM_001048174.2(MUTYH):c.90T>G (p.Ser30Arg)

Gene: MUTYH (mutY DNA glycosylase; minus strand). Cytogenetic location: 1p34.1.
Variant type: single nucleotide variant.
Coding change: c.90T>G on transcript NM_001048174.2 (MANE Select); coding-DNA position 90, T replaced by G.
Protein change: p.Ser30Arg; replaces serine 30 with arginine.
Molecular consequence: missense variant. On other transcripts: non-coding transcript variant (7), 5 prime UTR variant (7).
Genome position (GRCh38, 1-based): chr1:45,334,416, A>C on the plus strand (T>G on the coding strand, the complement: MUTYH is on the minus strand). VCF-style: chr1-45334416-A-C. GRCh37 (hg19) VCF-style: chr1-45800088-A-C.
Other names: c.90T>G, p.Ser30Arg (NM_001048171.2, NM_001048172.2, NM_001048173.2 and 15 more transcripts); c.132T>G, p.Ser44Arg (NM_001407073.1, NM_012222.3, NM_001128425.2 and 2 more transcripts); c.-67T>G (NM_001407075.1); c.-118T>G (NM_001407082.1, NM_001350651.2); c.108T>G, p.Ser36Arg (NM_001407087.1); c.-123T>G (NM_001407091.1, NM_001293192.2, NM_001293196.2); c.-182T>G (NM_001350650.2); short protein forms S36R, S30R, S44R.
Identifiers: ClinVar variation 4113182 (VCV004113182.1).
Genomic context (GRCh38, chr1:45,334,416, plus strand): 5'-GCCAATGAGCCTTGGGCCACAACCTAGTTCCTTACCATCACAGGCAGAAGGCTTGGCCTG[A>C]CTGTTGTTCTTAGCATGCTTCTGCCTCCCTTCCTGGCTGGCTGCCTGCTTCCTGTGACCA-3'
Protein context (NP_001041639.1, residues 20-40): EGRQKHAKNN[Ser30Arg]QAKPSACDGL

ClinVar aggregate classification (germline): Uncertain significance (1 of 4 stars; one submission).

Conditions:
Hereditary cancer-predisposing syndrome. Also called: Tumor predisposition; Neoplastic Syndromes, Hereditary; Hereditary neoplastic syndrome; Hereditary Cancer Syndrome. Identifiers: Orphanet 140162, MedGen C0027672, MeSH D009386, MONDO:0015356.

Submission:

Ambry Genetics
Classification: Uncertain significance for Hereditary cancer-predisposing syndrome. Last evaluated: 2025-08-27. Review status: criteria provided, single submitter. Criteria: Ambry Variant Classification Scheme 2023. Collection method: clinical testing. Allele origin: germline.
Comment: The p.S44R variant (also known as c.132T>G), located in coding exon 2 of the MUTYH gene, results from a T to G substitution at nucleotide position 132. The serine at codon 44 is replaced by arginine, an amino acid with dissimilar properties. This amino acid position is conserved. In addition, this alteration is predicted to be tolerated by in silico analysis. Based on the available evidence, the clinical significance of this variant remains unclear.